The following is an entry in ClinVar:

NM_000232.5(SGCB):c.75_76insTCGT (p.Ala26fs)

Gene: SGCB (sarcoglycan beta; minus strand). Cytogenetic location: 4q12.
Variant type: Insertion.
Coding change: c.75_76insTCGT on transcript NM_000232.5 (MANE Select); coding-DNA positions 75 to 76, TCGT inserted.
Protein change: p.Ala26fs; shifts the reading frame from alanine 26.
Molecular consequence: frameshift variant.
Genome position: GRCh38 VCF-style: chr4-52033598-C-CACGA. GRCh37 (hg19) VCF-style: chr4-52899764-C-CACGA.
Other names: short protein forms A26fs.
Identifiers: ClinVar variation 1726257 (VCV001726257.2), dbSNP rs2475230551, ClinGen allele CA2580071060.

ClinVar aggregate classification (germline): Likely pathogenic (1 of 4 stars; one submission).

Conditions:
Autosomal recessive limb-girdle muscular dystrophy type 2E (LGMDR4). Also called: MUSCULAR DYSTROPHY, LIMB-GIRDLE, AUTOSOMAL RECESSIVE 4. Identifiers: Orphanet 119, MedGen C1858593, MONDO:0011423, OMIM 604286. Disease mechanism: Affects gamma-sarcoglycan and also disrupts the integrity of the entire sarcoglycan complex..

Submission:

Myriad Genetics, Inc.
Classification: Likely pathogenic for Autosomal recessive limb-girdle muscular dystrophy type 2E. Last evaluated: 2021-12-09. Review status: criteria provided, single submitter. Criteria: Myriad Women's Health Autosomal Recessive and X-Linked Classification Criteria (2021). Collection method: clinical testing. Allele origin: unknown.
Comment: NM_000232.4(SGCB):c.75_76insTCGT(A26Sfs*4) is expected to be pathogenic in the context of beta-sarcoglycanopathy. This variant is predicted to lead to an abnormal or absent protein product due to the creation of a premature termination codon in SGCB, a gene where loss-of-function variants are known to be pathogenic. Please note: this variant was assessed in the context of healthy population screening.